The following is an entry in ClinVar:

ClinVar aggregate classification (germline): Uncertain significance (1 of 4 stars; one submission).

Submission:

GeneDx
Classification: Uncertain significance. Last evaluated: 2022-08-23. Review status: criteria provided, single submitter. Criteria: GeneDx Variant Classification Process June 2021. Collection method: clinical testing. Allele origin: germline. Affected: yes.
Comment: Has not been previously published as pathogenic or benign to our knowledge; In silico analysis supports that this missense variant does not alter protein structure/function; Not observed at significant frequency in large population cohorts (gnomAD)

NM_052867.4(NALCN):c.657G>C (p.Trp219Cys)

Gene: NALCN (sodium leak channel, non-selective; minus strand). Cytogenetic location: 13q33.1.
Variant type: single nucleotide variant.
Coding change: c.657G>C on transcript NM_052867.4 (MANE Select); coding-DNA position 657, G replaced by C.
Protein change: p.Trp219Cys; replaces tryptophan 219 with cysteine.
Molecular consequence: missense variant.
Genome position (GRCh38, 1-based): chr13:101,345,408, C>G on the plus strand (G>C on the coding strand, the complement: NALCN is on the minus strand). VCF-style: chr13-101345408-C-G. GRCh37 (hg19) VCF-style: chr13-101997759-C-G.
Other names: c.657G>C, p.Trp219Cys (NM_001350748.2, NM_001350749.2, NM_001350750.2 and 1 more transcripts); short protein forms W219C.
Identifiers: ClinVar variation 1703418 (VCV001703418.2), dbSNP rs2503581589, ClinGen allele CA388707765.